The following is an entry in ClinVar:

NM_003625.5(PPFIA2):c.3058A>C (p.Asn1020His)

Genes: PPFIA2 (PPFI scaffold protein A2; minus strand), PPFIA2-AS1 (PPFIA2 antisense RNA 1; plus strand). Cytogenetic location: 12q21.31.
Variant type: single nucleotide variant.
Coding change: c.3058A>C on transcript NM_003625.5 (MANE Select); coding-DNA position 3058, A replaced by C.
Protein change: p.Asn1020His; replaces asparagine 1020 with histidine.
Molecular consequence: missense variant.
Genome position (GRCh38, 1-based): chr12:81,281,411, T>G on the plus strand (A>C on the coding strand, the complement: PPFIA2 is on the minus strand). VCF-style: chr12-81281411-T-G. GRCh37 (hg19) VCF-style: chr12-81675190-T-G.
Other names: c.3058A>C, p.Asn1020His (NM_001220473.3); c.3013A>C, p.Asn1005His (NM_001220474.3); c.2995A>C, p.Asn999His (NM_001220475.2); c.3040A>C, p.Asn1014His (NM_001220476.2); c.2755A>C, p.Asn919His (NM_001220477.2); c.2743A>C, p.Asn915His (NM_001220478.2); c.1666A>C, p.Asn556His (NM_001220479.3); c.616A>C, p.Asn206His (NM_001220480.3); and 1 more; short protein forms N1005H, N1014H, N1020H, N206H, N556H, N867H, N915H, N919H.
Identifiers: ClinVar variation 4857021 (VCV004857021.1).
Genomic context (GRCh38, chr12:81,281,411, plus strand): 5'-AACTTCTGTACTGAGGTAACCCCAAGCTGGGAAGCCATTCATTTCCAATCCACTCATGAT[T>G]CATATCTCCATAAGCCAGGGTCTGTAGAAAAACCGGACACTAGAATTGTTTTATAGCAGT-3'
Protein context (NP_003616.2, residues 1010-1030): FLQTLAYGDM[Asn1020His]HEWIGNEWLP

ClinVar aggregate classification (germline): VUS-mid (1 of 4 stars; one submission).

Conditions:
PPFIA2-related neurodevelopmental disorder.

Submission:

Center for Human Genetics and Genomic Medicine, Uniklinik Rwth Aachen
Classification: VUS-mid for PPFIA2-related neurodevelopmental disorder. Last evaluated: 2025-12-10. Review status: criteria provided, single submitter. Criteria: ACMG Guidelines, 2015. Collection method: clinical testing. Allele origin: de novo. Inheritance: Autosomal dominant inheritance. Affected: yes. Observed: 1 variant allele, 1 heterozygote.
Comment: This variant has not yet been reported in the literature or in the ClinVar database. In the general population (gnomAD v4.1.0), it has not yet been detected (PM2_sup).